The following is an entry in ClinVar:

ClinVar aggregate classification (germline): Pathogenic (1 of 4 stars; one submission).

Conditions:
Inborn genetic diseases. Identifiers: MedGen C0950123, MeSH D030342.

Submission:

Ambry Genetics
Classification: Pathogenic for Hereditary disease. Last evaluated: 2016-07-25. Review status: criteria provided, single submitter. Criteria: ambry_reporting_categories_2017. Collection method: clinical testing. Allele origin: germline. Affected: yes. Observed: 1 heterozygote. Segregation with disease observed.
Comment: Lines of evidence used in support of classification: POSITIVE: Relevant Alteration(s) Detected

Literature cited by the submitters: PubMed 22885700; PubMed 25209348; PubMed 17640042; PubMed 15146186; PubMed 15146185; PubMed 24038889; PubMed 19886810; PubMed 24403048; PubMed 22889856; PubMed 24718998; PubMed 26671848.

NM_018486.2(HDAC8):c.911delG

Gene: HDAC8 (histone deacetylase 8; minus strand). Cytogenetic location: Xq13.1.
Variant type: Deletion.
Coding change: c.911delG on transcript NM_018486.2; coding-DNA position 911, one base deleted (G).
Molecular consequence: frameshift variant (on NM_001410729.1).
Genome position (GRCh38, 1-based): chrX:72,462,098, C deleted on the plus strand (G on the coding strand, the reverse complement: HDAC8 is on the minus strand); the first of 2 consecutive C bases (chrX:72,462,098-72,462,099); deleting either gives the same sequence. VCF-style (leftmost placement, unchanged base first): chrX-72462097-TC-T. GRCh37 (hg19) VCF-style: chrX-71681947-TC-T.
Other names: c.915del, p.Arg306fs (NM_001410729.1); short protein forms R306fs.
Identifiers: ClinVar variation 521181 (VCV000521181.5), dbSNP rs1555991965, ClinGen allele CA658799795.